The following is an entry in ClinVar:

ClinVar aggregate classification (germline): Pathogenic. Review status: criteria provided, multiple submitters, no conflicts (2 of 4 stars). 2 submissions from 2 submitters: Pathogenic (2). Last evaluated 2023-06-14.

Conditions:
Hereditary diffuse gastric adenocarcinoma (HDGC). Also called: DIFFUSE GASTRIC AND LOBULAR BREAST CANCER SYNDROME. Identifiers: Orphanet 26106, MedGen C1708349, MONDO:0007648, OMIM 137215.

Submissions (2):

Myriad Genetics, Inc.
Classification: Pathogenic for Hereditary diffuse gastric adenocarcinoma. Last evaluated: 2023-06-14. Review status: criteria provided, single submitter. Criteria: Myriad Autosomal Dominant, Autosomal Recessive and X-Linked Classification Criteria (2023). Collection method: clinical testing. Allele origin: unknown.
Comment: This variant is considered pathogenic. This variant creates a frameshift predicted to result in premature protein truncation.

Labcorp Genetics (formerly Invitae), Labcorp
Classification: Pathogenic for Hereditary diffuse gastric adenocarcinoma. Last evaluated: 2019-01-19. Review status: criteria provided, single submitter. Criteria: Invitae Variant Classification Sherloc (09022015). Collection method: clinical testing. Allele origin: germline.
Comment: For these reasons, this variant has been classified as Pathogenic. Loss-of-function variants in CDH1 are known to be pathogenic (PMID: 15235021, 20373070). This variant has not been reported in the literature in individuals with CDH1-related conditions. This variant is not present in population databases (ExAC no frequency). This sequence change creates a premature translational stop signal (p.Ile594Tyrfs*19) in the CDH1 gene. It is expected to result in an absent or disrupted protein product.

Literature cited by the submitters: PubMed 15235021 (cited by Labcorp Genetics (formerly Invitae), Labcorp); PubMed 20373070 (cited by Labcorp Genetics (formerly Invitae), Labcorp).

NM_004360.5(CDH1):c.1779del (p.Ile594fs)

Gene: CDH1 (cadherin 1; plus strand). Cytogenetic location: 16q22.1.
Variant type: Deletion.
Coding change: c.1779del on transcript NM_004360.5 (MANE Select); coding-DNA position 1779, one base deleted (C; older notation c.1779delC).
Protein change: p.Ile594fs; shifts the reading frame from isoleucine 594.
Molecular consequence: frameshift variant. On other transcripts: 5 prime UTR variant (1).
Genome position (GRCh38, 1-based): chr16:68,822,068, C deleted; the last of 5 consecutive C bases (chr16:68,822,064-68,822,068); deleting any one gives the same sequence. VCF-style (leftmost placement, unchanged base first): chr16-68822063-GC-G. GRCh37 (hg19) VCF-style: chr16-68855966-GC-G.
Other names: c.1596del, p.Ile533fs (NM_001317184.2); c.231del, p.Ile78fs (NM_001317185.2); c.-187del (NM_001317186.2); short protein forms I78fs, I594fs, I533fs.
Identifiers: ClinVar variation 838745 (VCV000838745.10), dbSNP rs876661118, ClinGen allele CA496392543.